The following is an entry in ClinVar:

NM_004612.4(TGFBR1):c.1278G>T (p.Leu426=)

Gene: TGFBR1 (transforming growth factor beta receptor 1; plus strand). Cytogenetic location: 9q22.33.
Variant type: single nucleotide variant.
Coding change: c.1278G>T on transcript NM_004612.4 (MANE Select); coding-DNA position 1278, G replaced by T.
Protein change: p.Leu426=; no amino-acid change (leucine 426 retained).
Molecular consequence: synonymous variant.
Genome position (GRCh38, 1-based): chr9:99,147,676, G>T. VCF-style: chr9-99147676-G-T. GRCh37 (hg19) VCF-style: chr9-101909958-G-T.
Other names: c.1047G>T, p.Leu349= (NM_001130916.3); c.1290G>T, p.Leu430= (NM_001306210.2).
Identifiers: ClinVar variation 415029 (VCV000415029.13), dbSNP rs368928967, ClinGen allele CA040362.
Genomic context (GRCh38, chr9:99,147,676, plus strand): 5'-AAATTCATCAAAATTTAATTTTTTTTAAACTGATACAGGAATTCATGAAGATTACCAACT[G>T]CCTTATTATGATCTTGTACCTTCTGACCCATCAGTTGAAGAAATGAGAAAAGTTGTTTGT-3'
Protein context (NP_004603.1, residues 416-436): SIGGIHEDYQ[Leu426=]PYYDLVPSDP

ClinVar aggregate classification (germline): Likely benign. Review status: criteria provided, multiple submitters, no conflicts (2 of 4 stars). 5 submissions from 5 submitters: Likely benign (5). Last evaluated 2025-11-10.

Conditions:
Familial thoracic aortic aneurysm and aortic dissection (TAAD). Also called: Thoracic aortic aneurysms and dissections. Identifiers: Orphanet 91387, MedGen C4707243, MONDO:0019625.
Loeys-Dietz syndrome (LDS). Identifiers: Orphanet 60030, MedGen C2697932, MONDO:0018954.

Allele frequency attached by ClinVar (database versions not stated): gnomAD exomes below 0.00001; ExAC 0.00001; ESP Exome Variant Server 0.00008.
gnomAD v4.1: 15 of 1,613,334 alleles (0.00093%); highest among the groups gnomAD compares: Non-Finnish European, 0.0013%; no homozygotes.

Submissions (5):

Labcorp Genetics (formerly Invitae), Labcorp
Classification: Likely benign for Familial thoracic aortic aneurysm and aortic dissection. Last evaluated: 2025-11-10. Review status: criteria provided, single submitter. Criteria: Invitae Variant Classification Sherloc (09022015). Collection method: clinical testing. Allele origin: germline.

All of Us Research Program, National Institutes of Health
Classification: Likely benign for Loeys-Dietz syndrome. Last evaluated: 2023-11-30. Review status: criteria provided, single submitter. Criteria: ACMG Guidelines, 2015. Collection method: clinical testing. Allele origin: germline. Inheritance: Autosomal dominant inheritance. Observed: 5 variant alleles, 5 heterozygotes.
Comment: This study involves interpretation of variants in research participants for the purpose of population health screening. Participant phenotype was not available at the time of variant classification. Additional details can be found in publication PMID: 35346344, PMCID: PMC8962531

Ambry Genetics
Classification: Likely benign for Familial thoracic aortic aneurysm and aortic dissection. Last evaluated: 2023-03-07. Review status: criteria provided, single submitter. Criteria: Ambry Variant Classification Scheme 2023. Collection method: clinical testing. Allele origin: germline.

Color Diagnostics, LLC DBA Color Health
Classification: Likely benign for Familial thoracic aortic aneurysm and aortic dissection. Last evaluated: 2018-11-09. Review status: criteria provided, single submitter. Criteria: ACMG Guidelines, 2015. Collection method: clinical testing. Allele origin: germline.

GeneDx
Classification: Likely benign. Last evaluated: 2018-02-07. Review status: criteria provided, single submitter. Criteria: GeneDx Variant Classification (06012015). Collection method: clinical testing. Allele origin: germline. Affected: yes.
Comment: This variant is considered likely benign or benign based on one or more of the following criteria: it is a conservative change, it occurs at a poorly conserved position in the protein, it is predicted to be benign by multiple in silico algorithms, and/or has population frequency not consistent with disease.